The following is an entry in ClinVar:

NM_032242.4(PLXNA1):c.4852A>T (p.Lys1618Ter)

Gene: PLXNA1 (plexin A1; plus strand). Cytogenetic location: 3q21.3.
Variant type: single nucleotide variant.
Coding change: c.4852A>T on transcript NM_032242.4 (MANE Select); coding-DNA position 4852, A replaced by T.
Protein change: p.Lys1618Ter; replaces lysine 1618 with a stop codon.
Molecular consequence: nonsense.
Genome position (GRCh38, 1-based): chr3:127,029,518, A>T. VCF-style: chr3-127029518-A-T. GRCh37 (hg19) VCF-style: chr3-126748361-A-T.
Other names: short protein forms K1618*.
Identifiers: ClinVar variation 3377073 (VCV003377073.1).
Genomic context (GRCh38, chr3:127,029,518, plus strand): 5'-GTGGCACTGGTGCCCAAGCAGACGTCCGCCTACAACATCTCCAACTCCTCCACCTTCACC[A>T]AGTCCCTCAGCAGATACGGTGAGGGGCCAGGCAGCGGGCGAGAGGGCAGCGCATGGGTCC-3'

ClinVar aggregate classification (germline): Likely pathogenic (1 of 4 stars; one submission).

Conditions:
Dworschak-Punetha neurodevelopmental syndrome (DWOPNED). Identifiers: MedGen C5677017, MONDO:0859260, OMIM 619955.

Submission:

Victorian Clinical Genetics Services, Murdoch Childrens Research Institute
Classification: Likely pathogenic for Dworschak-Punetha neurodevelopmental syndrome. Last evaluated: 2024-10-11. Review status: criteria provided, single submitter. Criteria: ACMG Guidelines, 2015. Collection method: clinical testing. Allele origin: germline. Inheritance: Autosomal recessive inheritance. Affected: yes.
Comment: Based on the classification scheme VCGS_Germline_v1.3.5, this variant is classified as Likely Pathogenic. Following criteria are met: 0102 - Loss of function is a known mechanism of disease in this gene and is associated with Dworschak-Punetha neurodevelopmental syndrome (MIM#619955). However, some monoallelic missense variants occur within affected individuals and have been suggested to have a dominant negative effect (PMID: 34054129). (I) 0108 - This gene is associated with both recessive and dominant disease (PMID: 34054129). (I) 0201 - Variant is predicted to cause nonsense-mediated decay (NMD) and loss of protein (premature termination codon is located at least 54 nucleotides upstream of the final exon-exon junction). (SP) 0251 - This variant is heterozygous. (I) 0301 - Variant is absent from gnomAD (v2, v3 and v4). (SP) 0702 - Other NMD-predicted variants comparable to the one identified in this case have strong previous evidence for pathogenicity. There have been five pathogenic/likely pathogenic NMD-predicted PTC variants identified in affected individuals (ClinVar, PMID: 34054129). However, there has also been one VUS PTC variant reported in ClinVar. (SP) 0807 - This variant has no previous evidence of pathogenicity. (I) 0905 - No published segregation evidence has been identified for this variant. (I) 1007 - No published functional evidence has been identified for this variant. (I) Legend: (SP) - Supporting pathogenic, (I) - Information, (SB) - Supporting benign

Literature cited by the submitters: PubMed 34054129.